The following is an entry in ClinVar:

ClinVar aggregate classification (germline): Likely benign (1 of 4 stars; one submission).

Conditions:
GATA1-related disorder. Also called: GATA1-related condition.

gnomAD v4.1: 2 of 1,206,814 alleles (0.00017%); highest among the groups gnomAD compares: Non-Finnish European, 0.00022%; no homozygotes.

Submission:

PreventionGenetics, part of Exact Sciences
Classification: Likely benign for GATA1-related condition. Last evaluated: 2025-07-01. Review status: criteria provided, single submitter. Criteria: ACMG Guidelines, 2015. Collection method: clinical testing. Allele origin: germline.
Comment: This variant is classified as likely benign based on ACMG/AMP sequence variant interpretation guidelines (Richards et al. 2015 PMID: 25741868, with internal and published modifications).

NM_002049.4(GATA1):c.24C>T (p.Ser8=)

Gene: GATA1 (GATA binding protein 1; plus strand). Cytogenetic location: Xp11.23.
Variant type: single nucleotide variant.
Coding change: c.24C>T on transcript NM_002049.4 (MANE Select); coding-DNA position 24, C replaced by T.
Protein change: p.Ser8=; no amino-acid change (serine 8 retained).
Molecular consequence: synonymous variant.
Genome position (GRCh38, 1-based): chrX:48,791,133, C>T. VCF-style: chrX-48791133-C-T. GRCh37 (hg19) VCF-style: chrX-48649540-C-T.
Identifiers: ClinVar variation 4985886 (VCV004985886.1).